The following is an entry in ClinVar:

ClinVar aggregate classification (germline): Uncertain significance. Review status: criteria provided, multiple submitters, no conflicts (2 of 4 stars). 2 submissions from 2 submitters: Uncertain significance (2). Last evaluated 2021-04-26.

Conditions:
Spinocerebellar ataxia type 11 (SCA11). Identifiers: Orphanet 98767, MedGen C1858351, MONDO:0011464, OMIM 604432.

Allele frequency attached by ClinVar (database versions not stated): gnomAD exomes below 0.00001.
gnomAD v4.1: 6 of 1,614,110 alleles (0.00037%); highest among the groups gnomAD compares: South Asian, 0.0044%; no homozygotes.

Submissions (2):

Blueprint Genetics
Classification: Uncertain significance. Last evaluated: 2021-04-26. Review status: criteria provided, single submitter. Criteria: ACMG Guidelines, 2015. Collection method: clinical testing. Allele origin: germline.

Neuberg Centre For Genomic Medicine, NCGM
Classification: Uncertain significance for Spinocerebellar ataxia type 11. Review status: criteria provided, single submitter. Criteria: ACMG Guidelines, 2015. Collection method: clinical testing. Allele origin: germline. Inheritance: Autosomal dominant inheritance. Affected: yes.
Comment: The missense variant in c.331G>A (p.Gly111Ser) in TTBK2 gene has not been reported previously as a pathogenic variant nor as a benign variant, to our knowledge. The p.Gly111Ser variant is novel (not in any individuals) in 1000 Genomes and has allele frequency of 0.0004% in gnomAD database. The amino acid Gly at position 111 is changed to a Ser changing protein sequence and it might alter its composition and physico-chemical properties. The variant is predicted to be damaging by both SIFT and PolyPhen2. The amino acid change p.Gly111Ser in TTBK2 is predicted as conserved by GERP++ and PhyloP across 100 vertebrates. For these reasons, this variant has been classified as Uncertain Significance (VUS).

NM_173500.4(TTBK2):c.331G>A (p.Gly111Ser)

Gene: TTBK2 (tau tubulin kinase 2; minus strand). Cytogenetic location: 15q15.2.
Variant type: single nucleotide variant.
Coding change: c.331G>A on transcript NM_173500.4 (MANE Select); coding-DNA position 331, G replaced by A.
Protein change: p.Gly111Ser; replaces glycine 111 with serine.
Molecular consequence: missense variant.
Genome position (GRCh38, 1-based): chr15:42,830,039, C>T on the plus strand (G>A on the coding strand, the complement: TTBK2 is on the minus strand). VCF-style: chr15-42830039-C-T. GRCh37 (hg19) VCF-style: chr15-43122237-C-T.
Other names: short protein forms G111S.
Identifiers: ClinVar variation 2585448 (VCV002585448.2), dbSNP rs769901308, ClinGen allele CA392052273.